The following is an entry in ClinVar:

ClinVar aggregate classification (germline): Uncertain significance (1 of 4 stars; one submission).

Submission:

Mayo Clinic Laboratories, Mayo Clinic
Classification: Uncertain significance. Last evaluated: 2025-06-09. Review status: criteria provided, single submitter. Criteria: ACMG Guidelines, 2015. Collection method: clinical testing. Allele origin: germline. Observed: 1 variant allele.
Comment: PM2_supporting, PVS1_moderate

NM_005223.4(DNASE1):c.194del (p.Ser65fs)

Gene: DNASE1 (deoxyribonuclease 1; plus strand). Cytogenetic location: 16p13.3.
Variant type: Deletion.
Coding change: c.194del on transcript NM_005223.4 (MANE Select); coding-DNA position 194, one base deleted (G; older notation c.194delG).
Protein change: p.Ser65fs; shifts the reading frame from serine 65.
Molecular consequence: frameshift variant. On other transcripts: non-coding transcript variant (2), intron variant (1).
Genome position (GRCh38, 1-based): chr16:3,655,895, G deleted. VCF-style (leftmost placement, unchanged base first): chr16-3655894-AG-A. GRCh37 (hg19) VCF-style: chr16-3705895-AG-A.
Other names: p.Ser65Thrfs*3; c.194del, p.Ser65fs (NM_001351825.2, NM_001387135.1, NM_001387139.1 and 1 more transcripts); c.30-207del (NM_001387141.1); short protein forms S65fs.
Identifiers: ClinVar variation 4542009 (VCV004542009.1).